The following is an entry in ClinVar:

NM_005732.4(RAD50):c.-38=

Gene: RAD50 (RAD50 double strand break repair protein; plus strand). Cytogenetic location: 5q31.1.
Variant type: single nucleotide variant.
Coding change: c.-38= on transcript NM_005732.4 (MANE Select); 38 bases upstream of the start codon, no change from the reference sequence.
Molecular consequence: no sequence alteration.
Genome position: GRCh38 VCF-style: chr5-132557287-G-G. GRCh37 (hg19) VCF-style: chr5-131892979-G-G.
Identifiers: ClinVar variation 182824 (VCV000182824.1), dbSNP rs4526098.

ClinVar aggregate classification (germline): Benign (1 of 4 stars; one submission).

Allele frequency attached by ClinVar (database versions not stated): gnomAD 0.07099 and 0.07607; 1000 Genomes Project 0.07508; gnomAD exomes 0.00914 and 0.02091; ExAC 0.02477; 1000 Genomes Project 30x 0.07948; ESP Exome Variant Server 0.08127; TOPMed 0.08201.

Submission:

GeneDx
Classification: Benign. Last evaluated: 2013-10-23. Review status: criteria provided, single submitter. Criteria: GeneDx Variant Classification (06012015). Collection method: clinical testing. Allele origin: germline. Affected: yes.
Comment: This variant is considered likely benign or benign based on one or more of the following criteria: it is a conservative change, it occurs at a poorly conserved position in the protein, it is predicted to be benign by multiple in silico algorithms, and/or has population frequency not consistent with disease.